The following is an entry in ClinVar:

ClinVar aggregate classification (germline): Pathogenic. Review status: criteria provided, multiple submitters, no conflicts (2 of 4 stars). 2 submissions from 2 submitters: Pathogenic (2). Last evaluated 2024-09-03.

Conditions:
COL1A2-related disorder. Also called: COL1A2-related condition; COL1A2-Related Disorders.
Osteogenesis imperfecta type I (OI1). Also called: OI, TYPE I; OSTEOGENESIS IMPERFECTA TARDA; OSTEOGENESIS IMPERFECTA WITH BLUE SCLERAE; Lobstein's Disease; Classic Non-deforming Osteogenesis Imperfecta with Blue Sclerae; Osteogenesis imperfecta type 1. Identifiers: Orphanet 216796, Orphanet 666, MedGen C0023931, MONDO:0008146, OMIM 166200. Disease mechanism: loss of function.
Ehlers-Danlos syndrome, classic type, 1 (EDSCL1). Also called: Ehlers-Danlos Syndrome, Classic Type, COL5A1-Related; EDS I; Ehlers-Danlos syndrome, type 1; EHLERS-DANLOS SYNDROME, GRAVIS TYPE; EHLERS-DANLOS SYNDROME, SEVERE CLASSIC TYPE. Identifiers: MedGen C0268335, MONDO:0019567, OMIM 130000.

Submissions (2):

Blueprint Genetics
Classification: Pathogenic for COL1A2-related disorders. Last evaluated: 2024-09-03. Review status: criteria provided, single submitter. Criteria: ACMG Guidelines, 2015. Collection method: clinical testing. Allele origin: germline. Affected: yes. Observed: 2 variant alleles.

Labcorp Genetics (formerly Invitae), Labcorp
Classification: Pathogenic for Osteogenesis imperfecta type I; Ehlers-Danlos syndrome, classic type, 1. Last evaluated: 2024-08-13. Review status: criteria provided, single submitter. Criteria: Invitae Variant Classification Sherloc (09022015). Collection method: clinical testing. Allele origin: germline.
Comment: This sequence change replaces glycine, which is neutral and non-polar, with arginine, which is basic and polar, at codon 931 of the COL1A2 protein (p.Gly931Arg). This variant is not present in population databases (gnomAD no frequency). This missense change has been observed in individuals with osteogenesis imperfecta, type IV (PMID: 27519266). ClinVar contains an entry for this variant (Variation ID: 861061). Invitae Evidence Modeling of protein sequence and biophysical properties (such as structural, functional, and spatial information, amino acid conservation, physicochemical variation, residue mobility, and thermodynamic stability) indicates that this missense variant is expected to disrupt COL1A2 protein function with a positive predictive value of 95%. This variant disrupts the triple helix domain of COL1A2. Glycine residues within the Gly-Xaa-Yaa repeats of the triple helix domain are required for the structure and stability of fibrillar collagens (PMID: 7695699, 8218237, 19344236). In COL1A2, variants affecting these glycine residues are significantly enriched in individuals with disease (PMID: 9016532, 17078022) compared to the general population (ExAC). For these reasons, this variant has been classified as Pathogenic.

Literature cited by the submitters: PubMed 27519266 (cited by Labcorp Genetics (formerly Invitae), Labcorp); PubMed 7695699 (cited by Labcorp Genetics (formerly Invitae), Labcorp); PubMed 8218237 (cited by Labcorp Genetics (formerly Invitae), Labcorp); PubMed 19344236 (cited by Labcorp Genetics (formerly Invitae), Labcorp); PubMed 9016532 (cited by Labcorp Genetics (formerly Invitae), Labcorp); PubMed 17078022 (cited by Labcorp Genetics (formerly Invitae), Labcorp).

NM_000089.4(COL1A2):c.2791G>A (p.Gly931Arg)

Gene: COL1A2 (collagen type I alpha 2 chain; plus strand). Cytogenetic location: 7q21.3.
Variant type: single nucleotide variant.
Coding change: c.2791G>A on transcript NM_000089.4 (MANE Select); coding-DNA position 2791, G replaced by A.
Protein change: p.Gly931Arg; replaces glycine 931 with arginine.
Molecular consequence: missense variant.
Genome position (GRCh38, 1-based): chr7:94,425,619, G>A. VCF-style: chr7-94425619-G-A. GRCh37 (hg19) VCF-style: chr7-94054931-G-A.
Other names: short protein forms G931R.
Identifiers: ClinVar variation 861061 (VCV000861061.10), dbSNP rs1792256171, ClinGen allele CA368224624.